The following is an entry in ClinVar:

ClinVar aggregate classification (germline): Pathogenic (1 of 4 stars; one submission).

Conditions:
Granulomatous disease, chronic, autosomal recessive, cytochrome b-positive, type 2. Also called: CGD, AUTOSOMAL RECESSIVE CYTOCHROME b-POSITIVE, TYPE II; Chronic Granulomatous Disease, Autosomal Recessive, Cytochrome b-Positive, Type II; GRANULOMATOUS DISEASE, CHRONIC, DUE TO NCF2 DEFICIENCY; GRANULOMATOUS DISEASE, CHRONIC, AUTOSOMAL RECESSIVE, 2; Chronic granulomatous disease due to deficiency of NCF-2. Identifiers: Orphanet 379, MedGen C1856245, MONDO:0009310, OMIM 233710.

Submission:

Labcorp Genetics (formerly Invitae), Labcorp
Classification: Pathogenic for Granulomatous disease, chronic, autosomal recessive, cytochrome b-positive, type 2. Last evaluated: 2023-10-05. Review status: criteria provided, single submitter. Criteria: Invitae Variant Classification Sherloc (09022015). Collection method: clinical testing. Allele origin: unknown.
Comment: This variant is a gross deletion of the genomic region encompassing exon(s) 3 of the NCF2 gene. This deletion is out-of-frame, and is expected to create a premature termination codon and result in an absent or disrupted protein product. Loss-of-function variants in NCF2 are known to be pathogenic (PMID: 10498624, 20167518). A similar copy number variant has been observed in individual(s) with clinical features of chronic granulomatous disease (PMID: 33717137). For these reasons, this variant has been classified as Pathogenic.

Literature cited by the submitters: PubMed 10498624; PubMed 20167518; PubMed 33717137.

NC_000001.10:g.(?_183546714)_(183546862_?)del

Gene: NCF2 (neutrophil cytosolic factor 2; minus strand). Cytogenetic location: 1q25.3.
Variant type: Deletion.
Identifiers: ClinVar variation 3247767 (VCV003247767.1).